The following is an entry in ClinVar:

ClinVar aggregate classification (germline): Uncertain significance (1 of 4 stars; one submission).

Conditions:
Early-infantile DEE. Also called: Ohtahara syndrome; Early infantile epileptic encephalopathy; Early infantile epileptic encephalopathy with suppression bursts. Identifiers: Orphanet 1934, MedGen C0393706, MONDO:0800491.

Submission:

Labcorp Genetics (formerly Invitae), Labcorp
Classification: Uncertain significance for Early-infantile DEE. Last evaluated: 2024-01-12. Review status: criteria provided, single submitter. Criteria: Invitae Variant Classification Sherloc (09022015). Collection method: clinical testing. Allele origin: germline.
Comment: This sequence change replaces glutamic acid, which is acidic and polar, with alanine, which is neutral and non-polar, at codon 812 of the KCNQ2 protein (p.Glu812Ala). This variant is not present in population databases (gnomAD no frequency). This variant has not been reported in the literature in individuals affected with KCNQ2-related conditions. An algorithm developed to predict the effect of missense changes on protein structure and function (PolyPhen-2) suggests that this variant is likely to be disruptive. In summary, the available evidence is currently insufficient to determine the role of this variant in disease. Therefore, it has been classified as a Variant of Uncertain Significance.

NM_172107.4(KCNQ2):c.2435A>C (p.Glu812Ala)

Gene: KCNQ2 (potassium voltage-gated channel subfamily Q member 2; minus strand). Cytogenetic location: 20q13.33.
Variant type: single nucleotide variant.
Coding change: c.2435A>C on transcript NM_172107.4 (MANE Select); coding-DNA position 2435, A replaced by C.
Protein change: p.Glu812Ala; replaces glutamic acid 812 with alanine.
Molecular consequence: missense variant.
Genome position (GRCh38, 1-based): chr20:63,406,828, T>G on the plus strand (A>C on the coding strand, the complement: KCNQ2 is on the minus strand). VCF-style: chr20-63406828-T-G. GRCh37 (hg19) VCF-style: chr20-62038181-T-G.
Other names: c.2489A>C, p.Glu830Ala (NM_001382235.1); c.2351A>C, p.Glu784Ala (NM_004518.6); c.2381A>C, p.Glu794Ala (NM_172106.3); c.2342A>C, p.Glu781Ala (NM_172108.5); short protein forms E781A, E794A, E812A, E830A, E784A.
Identifiers: ClinVar variation 2763199 (VCV002763199.3), dbSNP rs2516093710, ClinGen allele CA409637090.